The following is an entry in ClinVar:

NM_006348.5(COG5):c.-13G>T

Gene: COG5 (component of oligomeric golgi complex 5; minus strand). Cytogenetic location: 7q22.3.
Variant type: single nucleotide variant.
Coding change: c.-13G>T on transcript NM_006348.5 (MANE Select); 13 bases upstream of the start codon, G replaced by T.
Molecular consequence: 5 prime UTR variant.
Genome position (GRCh38, 1-based): chr7:107,563,909, C>A on the plus strand (G>T on the coding strand, the complement: COG5 is on the minus strand). VCF-style: chr7-107563909-C-A. GRCh37 (hg19) VCF-style: chr7-107204354-C-A.
Other names: c.-13G>T (NM_001161520.2, NM_001379511.1, NM_001379512.1 and 5 more transcripts); c.81G>T (NM_006348.3).
Identifiers: ClinVar variation 1606059 (VCV001606059.10), dbSNP rs915925086, ClinGen allele CA164174616.
Genomic context (GRCh38, chr7:107,563,909, plus strand): 5'-TCGAGCTCCGAGGCCAGCTACAGCGACGCTGCCGCCGCCACCTTCCATGTTGGCAGGTGC[C>A]GGGTTGATGTCGTCAGCAGCAGAACGGCTCCGCCCAGGTGGTGACGCAGAATCCCGGCGC-3'

ClinVar aggregate classification (germline): Likely benign. Review status: criteria provided, single submitter (1 of 4 stars). 2 submissions from 2 submitters: Likely benign (1). 1 of the submissions does not count toward it. Last evaluated 2025-09-10.

Conditions:
COG5-related disorder. Also called: COG5-related condition.
COG5-congenital disorder of glycosylation. Also called: CONGENITAL DISORDER OF GLYCOSYLATION, TYPE IIi; COG5-CDG; CDG IIi. Identifiers: Orphanet 263487, MedGen C3150876, MONDO:0013325, OMIM 613612.

gnomAD v4.1: 4 of 1,613,454 alleles (0.00025%); highest among the groups gnomAD compares: African/African-American, 0.0027%; no homozygotes.

Submissions (2):

Labcorp Genetics (formerly Invitae), Labcorp
Classification: Likely benign for COG5-congenital disorder of glycosylation. Last evaluated: 2025-09-10. Review status: criteria provided, single submitter. Criteria: Invitae Variant Classification Sherloc (09022015). Collection method: clinical testing. Allele origin: germline.

PreventionGenetics, part of Exact Sciences
Classification: Likely benign for COG5-related condition. Last evaluated: 2019-11-21. Review status: no assertion criteria provided. Collection method: clinical testing. Allele origin: germline. Not counted in ClinVar's aggregate classification.
Comment: This variant is classified as likely benign based on ACMG/AMP sequence variant interpretation guidelines (Richards et al. 2015 PMID: 25741868, with internal and published modifications).